The following is an entry in ClinVar:

NM_005993.5(TBCD):c.2974G>A (p.Gly992Ser)

Gene: TBCD (tubulin folding cofactor D). Cytogenetic location: 17q25.3.
Variant type: single nucleotide variant.
Coding change: c.2974G>A on transcript NM_005993.5 (MANE Select); coding-DNA position 2974, G replaced by A.
Protein change: p.Gly992Ser; replaces glycine 992 with serine.
Molecular consequence: missense variant.
Genome position (GRCh38, 1-based): chr17:82,929,483, G>A. VCF-style: chr17-82929483-G-A. GRCh37 (hg19) VCF-style: chr17-80887359-G-A.
Other names: c.2923G>A, p.Gly975Ser (NM_001411101.1); c.2893G>A, p.Gly965Ser (NM_001411102.1); short protein forms G965S, G975S, G992S.
Identifiers: ClinVar variation 2172932 (VCV002172932.1), dbSNP rs1316112591, ClinGen allele CA401635067.

ClinVar aggregate classification (germline): Uncertain significance (1 of 4 stars; one submission).

Allele frequency attached by ClinVar (database versions not stated): gnomAD 0.00001; TOPMed 0.00001; gnomAD exomes 0.00002.
gnomAD v4.1: 30 of 1,607,968 alleles (0.0019%); highest among the groups gnomAD compares: East Asian, 0.0045%; no homozygotes.

Submission:

Labcorp Genetics (formerly Invitae), Labcorp
Classification: Uncertain significance. Last evaluated: 2022-09-13. Review status: criteria provided, single submitter. Criteria: Invitae Variant Classification Sherloc (09022015). Collection method: clinical testing. Allele origin: germline.
Comment: This sequence change replaces glycine, which is neutral and non-polar, with serine, which is neutral and polar, at codon 992 of the TBCD protein (p.Gly992Ser). The frequency data for this variant in the population databases is considered unreliable, as metrics indicate poor data quality at this position in the gnomAD database. This variant has not been reported in the literature in individuals affected with TBCD-related conditions. Advanced modeling of protein sequence and biophysical properties (such as structural, functional, and spatial information, amino acid conservation, physicochemical variation, residue mobility, and thermodynamic stability) has been performed at Invitae for this missense variant, however the output from this modeling did not meet the statistical confidence thresholds required to predict the impact of this variant on TBCD protein function. In summary, the available evidence is currently insufficient to determine the role of this variant in disease. Therefore, it has been classified as a Variant of Uncertain Significance.